The following is an entry in ClinVar:

NM_002693.3(POLG):c.2202T>C (p.His734=)

Gene: POLG (DNA polymerase gamma, catalytic subunit; minus strand). Cytogenetic location: 15q26.1.
Variant type: single nucleotide variant.
Coding change: c.2202T>C on transcript NM_002693.3 (MANE Select); coding-DNA position 2202, T replaced by C.
Protein change: p.His734=; no amino-acid change (histidine 734 retained).
Molecular consequence: synonymous variant.
Genome position (GRCh38, 1-based): chr15:89,323,467, A>G on the plus strand (T>C on the coding strand, the complement: POLG is on the minus strand). VCF-style: chr15-89323467-A-G. GRCh37 (hg19) VCF-style: chr15-89866698-A-G.
Other names: c.2202T>C, p.His734= (NM_001126131.2).
Identifiers: ClinVar variation 3053690 (VCV003053690.4), dbSNP rs2509230180, ClinGen allele CA492076528.
Genomic context (GRCh38, chr15:89,323,467, plus strand): 5'-GTGAGGCAGCTTGAAAAACCAGCAGCCAGGGATGTCCACGTCGTTGTAAGGTCCATTGCC[A>G]TGGTGATAGCTGGGCTGGGTGTCCTTGGGGCCACCACGGGCAGTCTGTGAGGGCCACACA-3'
Protein context (NP_002684.1, residues 724-744): GPKDTQPSYH[His734=]GNGPYNDVDI

ClinVar aggregate classification (germline): Likely benign. Review status: criteria provided, single submitter (1 of 4 stars). 2 submissions from 2 submitters: Likely benign (1). 1 of the submissions does not count toward it. Last evaluated 2024-05-07.

Conditions:
POLG-related disorder. Also called: POLG-Related Spectrum Disorders; POLG-related condition; POLG-Related Disorders. Identifiers: MedGen C4763519.
Progressive sclerosing poliodystrophy (MTDPS4A). Also called: ALPERS PROGRESSIVE INFANTILE POLIODYSTROPHY; NEURONAL DEGENERATION OF CHILDHOOD WITH LIVER DISEASE, PROGRESSIVE; Alpers Syndrome; ALPERS DIFFUSE DEGENERATION OF CEREBRAL GRAY MATTER WITH HEPATIC CIRRHOSIS; Alpers-Huttenlocher Syndrome; Mitochondrial DNA depletion syndrome 4A (Alpers type). Identifiers: Orphanet 726, MedGen C0205710, MONDO:0008758, OMIM 203700.

Submissions (2):

Labcorp Genetics (formerly Invitae), Labcorp
Classification: Likely benign for Progressive sclerosing poliodystrophy. Last evaluated: 2024-05-07. Review status: criteria provided, single submitter. Criteria: Invitae Variant Classification Sherloc (09022015). Collection method: clinical testing. Allele origin: germline.

PreventionGenetics, part of Exact Sciences
Classification: Likely benign for POLG-related condition. Last evaluated: 2023-01-27. Review status: no assertion criteria provided. Collection method: clinical testing. Allele origin: germline. Not counted in ClinVar's aggregate classification.
Comment: This variant is classified as likely benign based on ACMG/AMP sequence variant interpretation guidelines (Richards et al. 2015 PMID: 25741868, with internal and published modifications).